The following is an entry in ClinVar:

ClinVar aggregate classification (germline): Uncertain significance (1 of 4 stars; one submission).

Conditions:
Epidermolysis bullosa simplex 5B, with muscular dystrophy (EBS5B). Also called: EPIDERMOLYSIS BULLOSA SIMPLEX AND LIMB-GIRDLE MUSCULAR DYSTROPHY; Epidermolysis bullosa simplex with muscular dystrophy. Identifiers: Orphanet 257, MedGen C2931072, MONDO:0009181, OMIM 226670.
Epidermolysis bullosa simplex, Ogna type (EBS5A). Also called: Pidermolysis bullosa simplex 5A, Ogna type; EPIDERMOLYSIS BULLOSA SIMPLEX 5A, OGNA TYPE. Identifiers: Orphanet 79401, MedGen C0432317, MONDO:0007555, OMIM 131950.
Epidermolysis bullosa simplex 5C, with pyloric atresia (EBS5C). Also called: Epidermolysis bullosa simplex with pyloric atresia; PLEC-Related Epidermolysis Bullosa with Pyloric Atresia; PLEC1-Related Epidermolysis Bullosa with Pyloric Atresia. Identifiers: Orphanet 158684, MedGen C2677349, MONDO:0012807, OMIM 612138.
Autosomal recessive limb-girdle muscular dystrophy type 2Q (LGMDR17). Also called: MUSCULAR DYSTROPHY, LIMB-GIRDLE, AUTOSOMAL RECESSIVE 17. Identifiers: Orphanet 254361, MedGen C3150989, MONDO:0013390, OMIM 613723.
Epidermolysis bullosa simplex with nail dystrophy (EBS5D). Identifiers: MedGen C4225309, MONDO:0014661, OMIM 616487.

gnomAD v4.1: 33 of 1,551,802 alleles (0.0021%); highest among the groups gnomAD compares: Non-Finnish European, 0.0027%; no homozygotes.

Submission:

Labcorp Genetics (formerly Invitae), Labcorp
Classification: Uncertain significance for Autosomal recessive limb-girdle muscular dystrophy type 2Q; Epidermolysis bullosa simplex, Ogna type; Epidermolysis bullosa simplex with nail dystrophy; Epidermolysis bullosa simplex 5C, with pyloric atresia; Epidermolysis bullosa simplex 5B, with muscular dystrophy. Last evaluated: 2025-06-23. Review status: criteria provided, single submitter. Criteria: Invitae Variant Classification Sherloc (09022015). Collection method: clinical testing. Allele origin: germline.
Comment: This sequence change replaces serine, which is neutral and polar, with cysteine, which is neutral and slightly polar, at codon 1812 of the PLEC protein (p.Ser1812Cys). The frequency data for this variant in the population databases is considered unreliable, as metrics indicate poor data quality at this position in the gnomAD database. This variant has not been reported in the literature in individuals affected with PLEC-related conditions. Experimental studies and prediction algorithms are not available or were not evaluated, and the functional significance of this variant is currently unknown. In summary, the available evidence is currently insufficient to determine the role of this variant in disease. Therefore, it has been classified as a Variant of Uncertain Significance.

NM_201384.3(PLEC):c.5354C>G (p.Ser1785Cys)

Gene: PLEC (plectin; minus strand). Cytogenetic location: 8q24.3.
Variant type: single nucleotide variant.
Coding change: c.5354C>G on transcript NM_201384.3 (MANE Select); coding-DNA position 5354, C replaced by G.
Protein change: p.Ser1785Cys; replaces serine 1785 with cysteine.
Molecular consequence: missense variant. On other transcripts: intron variant (1).
Genome position (GRCh38, 1-based): chr8:143,924,575, G>C on the plus strand (C>G on the coding strand, the complement: PLEC is on the minus strand). VCF-style: chr8-143924575-G-C. GRCh37 (hg19) VCF-style: chr8-144998743-G-C.
Other names: c.5435C>G, p.Ser1812Cys (NM_000445.5); c.5312C>G, p.Ser1771Cys (NM_201378.4); c.5288C>G, p.Ser1763Cys (NM_201379.3); c.5765C>G, p.Ser1922Cys (NM_201380.4); c.5258C>G, p.Ser1753Cys (NM_201381.3); c.5354C>G, p.Ser1785Cys (NM_201382.4); c.5366C>G, p.Ser1789Cys (NM_201383.3); c.4126-2180C>G (NM_001410941.1); short protein forms S1763C, S1785C, S1753C, S1789C, S1812C, S1922C, S1771C.
Identifiers: ClinVar variation 4793048 (VCV004793048.1).
Genomic context (GRCh38, chr8:143,924,575, plus strand): 5'-CGGGCGGCCTCCTCGGCCAGCTCGCGGAACCGGCCGGCCTCGGCCTCCAGCCTCTGCTTG[G>C]ACTTCTCGCTGGTGGAGCGCGACTCCTCCTCAGCCCTCGCCTTGCTGGCCAGCAGCACCT-3'
Protein context (NP_958786.1, residues 1775-1795): EEESRSTSEK[Ser1785Cys]KQRLEAEAGR